The following is an entry in ClinVar:

NM_017934.7(PHIP):c.333A>G (p.Thr111=)

Gene: PHIP (PHIP subunit of CUL4-Ring ligase complex; minus strand). Cytogenetic location: 6q14.1.
Variant type: single nucleotide variant.
Coding change: c.333A>G on transcript NM_017934.7 (MANE Select); coding-DNA position 333, A replaced by G.
Protein change: p.Thr111=; no amino-acid change (threonine 111 retained).
Molecular consequence: synonymous variant.
Genome position (GRCh38, 1-based): chr6:79,060,675, T>C on the plus strand (A>G on the coding strand, the complement: PHIP is on the minus strand). VCF-style: chr6-79060675-T-C. GRCh37 (hg19) VCF-style: chr6-79770392-T-C.
Identifiers: ClinVar variation 3358636 (VCV003358636.1).

ClinVar aggregate classification (germline): Likely benign (0 of 4 stars; one submission).

Conditions:
PHIP-related disorder. Also called: PHIP-related condition; PHIP-related disorders.

gnomAD v4.1: 8 of 1,610,702 alleles (0.0005%); highest among the groups gnomAD compares: Middle Eastern, 0.033%; no homozygotes.

Submission:

PreventionGenetics, part of Exact Sciences
Classification: Likely benign for PHIP-related condition. Last evaluated: 2021-12-15. Review status: no assertion criteria provided. Collection method: clinical testing. Allele origin: germline.
Comment: This variant is classified as likely benign based on ACMG/AMP sequence variant interpretation guidelines (Richards et al. 2015 PMID: 25741868, with internal and published modifications).